The following is an entry in ClinVar:

ClinVar aggregate classification (germline): Uncertain significance (1 of 4 stars; one submission).

Allele frequency attached by ClinVar (database versions not stated): ExAC 0.00001; TOPMed 0.00002; gnomAD exomes 0.00003.
gnomAD v4.1: 37 of 1,614,234 alleles (0.0023%); highest among the groups gnomAD compares: Non-Finnish European, 0.0031%; no homozygotes.

Submission:

Labcorp Genetics (formerly Invitae), Labcorp
Classification: Uncertain significance. Last evaluated: 2022-07-01. Review status: criteria provided, single submitter. Criteria: Invitae Variant Classification Sherloc (09022015). Collection method: clinical testing. Allele origin: germline.
Comment: This sequence change replaces glutamine, which is neutral and polar, with arginine, which is basic and polar, at codon 533 of the AGAP1 protein (p.Gln533Arg). The frequency data for this variant in the population databases is considered unreliable, as metrics indicate poor data quality at this position in the gnomAD database. In summary, the available evidence is currently insufficient to determine the role of this variant in disease. Therefore, it has been classified as a Variant of Uncertain Significance. Algorithms developed to predict the effect of missense changes on protein structure and function are either unavailable or do not agree on the potential impact of this missense change (SIFT: "Deleterious"; PolyPhen-2: "Probably Damaging"; Align-GVGD: "Class C0"). This variant has not been reported in the literature in individuals affected with AGAP1-related conditions.

NM_001037131.3(AGAP1):c.1757A>G (p.Gln586Arg)

Gene: AGAP1 (ArfGAP with GTPase domain, ankyrin repeat and PH domain 1; plus strand). Cytogenetic location: 2q37.2.
Variant type: single nucleotide variant.
Coding change: c.1757A>G on transcript NM_001037131.3 (MANE Select); coding-DNA position 1757, A replaced by G.
Protein change: p.Gln586Arg; replaces glutamine 586 with arginine.
Molecular consequence: missense variant.
Genome position (GRCh38, 1-based): chr2:236,036,672, A>G. VCF-style: chr2-236036672-A-G. GRCh37 (hg19) VCF-style: chr2-236945316-A-G.
Other names: c.1598A>G, p.Gln533Arg (NM_014914.5); short protein forms Q533R, Q586R.
Identifiers: ClinVar variation 2186302 (VCV002186302.4), dbSNP rs778746496, ClinGen allele CA2185002.